The following is an entry in ClinVar:

ClinVar aggregate classification (germline): Conflicting classifications of pathogenicity. Review status: criteria provided, conflicting classifications (1 of 4 stars). 4 submissions from 4 submitters: Uncertain significance (1); Likely benign (3). Last evaluated 2025-10-22.

Conditions:
Autosomal recessive limb-girdle muscular dystrophy type 2Q (LGMDR17). Also called: MUSCULAR DYSTROPHY, LIMB-GIRDLE, AUTOSOMAL RECESSIVE 17. Identifiers: Orphanet 254361, MedGen C3150989, MONDO:0013390, OMIM 613723.
Epidermolysis bullosa simplex with nail dystrophy (EBS5D). Identifiers: MedGen C4225309, MONDO:0014661, OMIM 616487.
Epidermolysis bullosa simplex 5C, with pyloric atresia (EBS5C). Also called: PLEC-Related Epidermolysis Bullosa with Pyloric Atresia; PLEC1-Related Epidermolysis Bullosa with Pyloric Atresia; Epidermolysis bullosa simplex with pyloric atresia. Identifiers: Orphanet 158684, MedGen C2677349, MONDO:0012807, OMIM 612138.
Epidermolysis bullosa simplex, Ogna type (EBS5A). Also called: Pidermolysis bullosa simplex 5A, Ogna type; EPIDERMOLYSIS BULLOSA SIMPLEX 5A, OGNA TYPE. Identifiers: Orphanet 79401, MedGen C0432317, MONDO:0007555, OMIM 131950.
Epidermolysis bullosa simplex 5B, with muscular dystrophy (EBS5B). Also called: Epidermolysis bullosa simplex with muscular dystrophy; EPIDERMOLYSIS BULLOSA SIMPLEX AND LIMB-GIRDLE MUSCULAR DYSTROPHY. Identifiers: Orphanet 257, MedGen C2931072, MONDO:0009181, OMIM 226670.

Allele frequency attached by ClinVar (database versions not stated): TOPMed below 0.00001; ExAC 0.00001; gnomAD 0.00001; gnomAD exomes 0.00001; 1000 Genomes Project 30x 0.00016; 1000 Genomes Project 0.00020.
gnomAD v4.1: 16 of 1,613,284 alleles (0.00099%); highest among the groups gnomAD compares: Middle Eastern, 0.049%; no homozygotes.

Submissions (4):

Labcorp Genetics (formerly Invitae), Labcorp
Classification: Likely benign for Autosomal recessive limb-girdle muscular dystrophy type 2Q; Epidermolysis bullosa simplex, Ogna type; Epidermolysis bullosa simplex with nail dystrophy; Epidermolysis bullosa simplex 5C, with pyloric atresia; Epidermolysis bullosa simplex 5B, with muscular dystrophy. Last evaluated: 2025-10-22. Review status: criteria provided, single submitter. Criteria: Invitae Variant Classification Sherloc (09022015). Collection method: clinical testing. Allele origin: germline.

Blueprint Genetics
Classification: Likely benign. Last evaluated: 2024-09-16. Review status: criteria provided, single submitter. Criteria: ACMG Guidelines, 2015. Collection method: clinical testing. Allele origin: germline.

CeGaT Center for Human Genetics Tuebingen
Classification: Likely benign. Last evaluated: 2022-03-01. Review status: criteria provided, single submitter. Criteria: CeGaT Center For Human Genetics Tuebingen Variant Classification Criteria Version 2. Collection method: clinical testing. Allele origin: germline. Affected: yes. Observed: 1 variant allele.
Comment: PLEC: BP4, BP7

Eurofins Ntd Llc (ga)
Classification: Uncertain significance. Last evaluated: 2016-05-09. Review status: criteria provided, single submitter. Criteria: EGL Classification Definitions 2015. Collection method: clinical testing. Allele origin: germline. Observed: 1 variant allele, 1 heterozygote.

NM_201384.3(PLEC):c.13023G>A (p.Val4341=)

Gene: PLEC (plectin; minus strand). Cytogenetic location: 8q24.3.
Variant type: single nucleotide variant.
Coding change: c.13023G>A on transcript NM_201384.3 (MANE Select); coding-DNA position 13023, G replaced by A.
Protein change: p.Val4341=; no amino-acid change (valine 4341 retained).
Molecular consequence: synonymous variant.
Genome position (GRCh38, 1-based): chr8:143,916,798, C>T on the plus strand (G>A on the coding strand, the complement: PLEC is on the minus strand). VCF-style: chr8-143916798-C-T. GRCh37 (hg19) VCF-style: chr8-144990966-C-T.
Other names: c.13104G>A, p.Val4368= (NM_000445.5); c.12981G>A, p.Val4327= (NM_201378.4); c.12957G>A, p.Val4319= (NM_201379.3); c.13434G>A, p.Val4478= (NM_201380.4); c.12927G>A, p.Val4309= (NM_201381.3); c.13023G>A, p.Val4341= (NM_201382.4); c.13035G>A, p.Val4345= (NM_201383.3).
Identifiers: ClinVar variation 287416 (VCV000287416.38), dbSNP rs567904252, ClinGen allele CA4923922.